The following is an entry in ClinVar:

ClinVar aggregate classification (germline): Uncertain significance (1 of 4 stars; one submission).

Conditions:
Myasthenic syndrome, congenital, 22 (CMS22). Also called: PREPL DEFICIENCY. Identifiers: MedGen C4479088, MONDO:0044299, OMIM 616224.

Submission:

Labcorp Genetics (formerly Invitae), Labcorp
Classification: Uncertain significance for Myasthenic syndrome, congenital, 22. Last evaluated: 2022-10-13. Review status: criteria provided, single submitter. Criteria: Invitae Variant Classification Sherloc (09022015). Collection method: clinical testing. Allele origin: germline.
Comment: In summary, the available evidence is currently insufficient to determine the role of this variant in disease. Therefore, it has been classified as a Variant of Uncertain Significance. Advanced modeling of protein sequence and biophysical properties (such as structural, functional, and spatial information, amino acid conservation, physicochemical variation, residue mobility, and thermodynamic stability) performed at Invitae indicates that this missense variant is not expected to disrupt PREPL protein function. ClinVar contains an entry for this variant (Variation ID: 1466438). This variant has not been reported in the literature in individuals affected with PREPL-related conditions. This variant is not present in population databases (gnomAD no frequency). This sequence change replaces tyrosine, which is neutral and polar, with histidine, which is basic and polar, at codon 169 of the PREPL protein (p.Tyr169His).

NM_001171613.2(PREPL):c.238T>C (p.Tyr80His)

Gene: PREPL (prolyl endopeptidase like; minus strand). Cytogenetic location: 2p21.
Variant type: single nucleotide variant.
Coding change: c.238T>C on transcript NM_001171613.2 (MANE Select); coding-DNA position 238, T replaced by C.
Protein change: p.Tyr80His; replaces tyrosine 80 with histidine.
Molecular consequence: missense variant.
Genome position (GRCh38, 1-based): chr2:44,343,856, A>G on the plus strand (T>C on the coding strand, the complement: PREPL is on the minus strand). VCF-style: chr2-44343856-A-G. GRCh37 (hg19) VCF-style: chr2-44570995-A-G.
Other names: c.505T>C, p.Tyr169His (NM_001042385.2, NM_001042386.2, NM_001171603.1 and 4 more transcripts); c.238T>C, p.Tyr80His (NM_001171617.1, NM_001374277.1); short protein forms Y80H, Y169H.
Identifiers: ClinVar variation 1466438 (VCV001466438.8), dbSNP rs2103986081, ClinGen allele CA346693462.
Genomic context (GRCh38, chr2:44,343,856, plus strand): 5'-GCTTTATAATTACACAGGTAGATGCTTCAGAATCTTCAGTTCTTATCTTGGCAGCCACAT[A>G]TTTTTCATCTGGAGCAACTCTGATACAATCAATGAAGGGCTGGTCTAACTTAAGTTCCTC-3'
Protein context (NP_001165084.1, residues 70-90): DCIRVAPDEK[Tyr80His]VAAKIRTEDS